The following is an entry in ClinVar:

ClinVar aggregate classification (germline): Pathogenic. Review status: criteria provided, multiple submitters, no conflicts (2 of 4 stars). 2 submissions from 2 submitters: Pathogenic (2). Last evaluated 2025-10-10.

Conditions:
Juvenile polyposis syndrome (JPS). Identifiers: Orphanet 2929, MedGen C0345893, MONDO:0017380, OMIM 174900.
Hereditary cancer-predisposing syndrome. Also called: Neoplastic Syndromes, Hereditary; Hereditary Cancer Syndrome; Tumor predisposition; Hereditary neoplastic syndrome. Identifiers: Orphanet 140162, MedGen C0027672, MeSH D009386, MONDO:0015356.

Submissions (2):

Ambry Genetics
Classification: Pathogenic for Hereditary cancer-predisposing syndrome. Last evaluated: 2025-10-10. Review status: criteria provided, single submitter. Criteria: Ambry Variant Classification Scheme 2023. Collection method: clinical testing. Allele origin: germline.
Comment: The c.772delG pathogenic mutation, located in coding exon 7 of the BMPR1A gene, results from a deletion of one nucleotide at nucleotide position 772, causing a translational frameshift with a predicted alternate stop codon (p.V258Wfs*3). This variant is considered to be rare based on population cohorts in the Genome Aggregation Database (gnomAD). This alteration is expected to result in loss of function by premature protein truncation or nonsense-mediated mRNA decay. As such, this alteration is interpreted as a disease-causing mutation.

Myriad Genetics, Inc.
Classification: Pathogenic for Juvenile polyposis syndrome. Last evaluated: 2023-05-26. Review status: criteria provided, single submitter. Criteria: Myriad Autosomal Dominant, Autosomal Recessive and X-Linked Classification Criteria (2023). Collection method: clinical testing. Allele origin: unknown.
Comment: This variant is considered pathogenic. This variant creates a frameshift predicted to result in premature protein truncation.

NM_004329.3(BMPR1A):c.772del (p.Val258fs)

Gene: BMPR1A (bone morphogenetic protein receptor type 1A; plus strand). Cytogenetic location: 10q23.2.
Variant type: Deletion.
Coding change: c.772del on transcript NM_004329.3 (MANE Select); coding-DNA position 772, one base deleted (G; older notation c.772delG).
Protein change: p.Val258fs; shifts the reading frame from valine 258.
Molecular consequence: frameshift variant. On other transcripts: non-coding transcript variant (3).
Genome position (GRCh38, 1-based): chr10:86,917,230, G deleted. VCF-style (leftmost placement, unchanged base first): chr10-86917229-AG-A. GRCh37 (hg19) VCF-style: chr10-88676986-AG-A.
Other names: c.847del, p.Val283fs (NM_001406559.1); c.820del, p.Val274fs (NM_001406560.1); c.772del, p.Val258fs (NM_001406561.1, NM_001406562.1, NM_001406563.1 and 19 more transcripts); c.766del, p.Val256fs (NM_001406583.1); c.688del, p.Val230fs (NM_001406584.1, NM_001406585.1, NM_001406586.1 and 2 more transcripts); c.430del, p.Val144fs (NM_001406589.1); short protein forms V144fs, V230fs, V256fs, V258fs, V274fs, V283fs.
Identifiers: ClinVar variation 2583533 (VCV002583533.3), dbSNP rs2539603948, ClinGen allele CA2582342685.